The following is an entry in ClinVar:

ClinVar aggregate classification (germline): Uncertain significance (1 of 4 stars; one submission).

Conditions:
Hereditary cancer-predisposing syndrome. Also called: Neoplastic Syndromes, Hereditary; Tumor predisposition; Hereditary Cancer Syndrome; Hereditary neoplastic syndrome. Identifiers: Orphanet 140162, MedGen C0027672, MeSH D009386, MONDO:0015356.

Submission:

Ambry Genetics
Classification: Uncertain significance for Hereditary cancer-predisposing syndrome. Last evaluated: 2026-06-09. Review status: criteria provided, single submitter. Criteria: Ambry Variant Classification Scheme 2023. Collection method: clinical testing. Allele origin: germline.
Comment: The p.R855I variant (also known as c.2564G>T), located in coding exon 19 of the MSH3 gene, results from a G to T substitution at nucleotide position 2564. The arginine at codon 855 is replaced by isoleucine, an amino acid with similar properties. This amino acid position is conserved. In addition, this alteration is predicted to be tolerated by in silico analysis. Based on the available evidence, the clinical significance of this variant remains unclear.

NM_002439.5(MSH3):c.2564G>T (p.Arg855Ile)

Gene: MSH3 (mutS homolog 3; plus strand). Cytogenetic location: 5q14.1.
Variant type: single nucleotide variant.
Coding change: c.2564G>T on transcript NM_002439.5 (MANE Select); coding-DNA position 2564, G replaced by T.
Protein change: p.Arg855Ile; replaces arginine 855 with isoleucine.
Molecular consequence: missense variant.
Genome position (GRCh38, 1-based): chr5:80,792,753, G>T. VCF-style: chr5-80792753-G-T. GRCh37 (hg19) VCF-style: chr5-80088572-G-T.
Other names: short protein forms R855I.
Identifiers: ClinVar variation 4860362 (VCV004860362.1).